The following is an entry in ClinVar:

NM_020708.5(SLC12A5):c.*1986G>T

Gene: SLC12A5 (solute carrier family 12 member 5; plus strand). Cytogenetic location: 20q13.12.
Variant type: single nucleotide variant.
Coding change: c.*1986G>T on transcript NM_020708.5 (MANE Select); 1986 bases downstream of the stop codon, G replaced by T.
Molecular consequence: 3 prime UTR variant.
Genome position (GRCh38, 1-based): chr20:46,059,591, G>T. VCF-style: chr20-46059591-G-T. GRCh37 (hg19) VCF-style: chr20-44688230-G-T.
Other names: c.*1986G>T (NM_001134771.2).
Identifiers: ClinVar variation 4534213 (VCV004534213.6).

ClinVar aggregate classification (germline): Likely benign (1 of 4 stars; one submission).

gnomAD v4.1: 53 of 398,958 alleles (0.013%); highest among the groups gnomAD compares: East Asian, 0.061%; 1 homozygote.

Submission:

CeGaT Center for Human Genetics Tuebingen
Classification: Likely benign. Last evaluated: 2025-10-01. Review status: criteria provided, single submitter. Criteria: CeGaT Center For Human Genetics Tuebingen Variant Classification Criteria Version 2. Collection method: clinical testing. Allele origin: germline. Affected: yes. Observed: 1 variant allele.
Comment: SLC12A5: BP4